The following is an entry in ClinVar:

NM_005732.4(RAD50):c.2762A>C (p.Lys921Thr)

Gene: RAD50 (RAD50 double strand break repair protein; plus strand). Cytogenetic location: 5q31.1.
Variant type: single nucleotide variant.
Coding change: c.2762A>C on transcript NM_005732.4 (MANE Select); coding-DNA position 2762, A replaced by C.
Protein change: p.Lys921Thr; replaces lysine 921 with threonine.
Molecular consequence: missense variant.
Genome position (GRCh38, 1-based): chr5:132,608,658, A>C. VCF-style: chr5-132608658-A-C. GRCh37 (hg19) VCF-style: chr5-131944350-A-C.
Other names: short protein forms K921T.
Identifiers: ClinVar variation 3786304 (VCV003786304.1).
Genomic context (GRCh38, chr5:132,608,658, plus strand): 5'-CTTTTTTATATTTTTAGGATGCTAAAGAGCAGGTAAGCCCTTTGGAAACAACATTGGAAA[A>C]GTTCCAGCAAGAAAAAGAAGAATTAATCAACAAAAAAAATACAAGCAACAAAATAGCACA-3'
Protein context (NP_005723.2, residues 911-931): QVSPLETTLE[Lys921Thr]FQQEKEELIN

ClinVar aggregate classification (germline): Uncertain significance (1 of 4 stars; one submission).

Conditions:
Hereditary cancer-predisposing syndrome. Also called: Neoplastic Syndromes, Hereditary; Hereditary Cancer Syndrome; Tumor predisposition; Hereditary neoplastic syndrome. Identifiers: Orphanet 140162, MedGen C0027672, MeSH D009386, MONDO:0015356.

Submission:

Ambry Genetics
Classification: Uncertain significance for Hereditary cancer-predisposing syndrome. Last evaluated: 2025-01-25. Review status: criteria provided, single submitter. Criteria: Ambry Variant Classification Scheme 2023. Collection method: clinical testing. Allele origin: germline.
Comment: The p.K921T variant (also known as c.2762A>C), located in coding exon 17 of the RAD50 gene, results from an A to C substitution at nucleotide position 2762. The lysine at codon 921 is replaced by threonine, an amino acid with similar properties. This amino acid position is conserved. In addition, the in silico prediction for this alteration is inconclusive. Based on the available evidence, the clinical significance of this variant remains unclear.